The following is an entry in ClinVar:

NM_000548.5(TSC2):c.5211dup (p.Ser1738fs)

Gene: TSC2 (TSC complex subunit 2; plus strand). Cytogenetic location: 16p13.3.
Variant type: Duplication.
Coding change: c.5211dup on transcript NM_000548.5 (MANE Select); coding-DNA position 5211, one base duplicated (C; older notation c.5211dupC).
Protein change: p.Ser1738fs; shifts the reading frame from serine 1738.
Molecular consequence: frameshift variant.
Genome position (GRCh38, 1-based): chr16:2,088,277, C duplicated; the last of 4 consecutive C bases (chr16:2,088,274-2,088,277); duplicating any one gives the same sequence. VCF-style (leftmost placement, unchanged base first): chr16-2088273-A-AC. GRCh37 (hg19) VCF-style: chr16-2138274-A-AC.
Other names: c.5010dup, p.Ser1671fs (NM_001077183.3); c.5142dup, p.Ser1715fs (NM_001114382.3); c.4902dup, p.Ser1635fs (NM_001318827.2); c.4866dup, p.Ser1623fs (NM_001318829.2); c.4479dup, p.Ser1494fs (NM_001318831.2); c.5043dup, p.Ser1682fs (NM_001318832.2); c.5013dup, p.Ser1672fs (NM_001363528.2); c.5079dup, p.Ser1694fs (NM_001370404.1); and 2 more; short protein forms S1494fs, S1635fs, S1691fs, S1694fs, S1695fs, S1672fs, S1715fs, S1738fs.
Identifiers: ClinVar variation 1455431 (VCV001455431.8), dbSNP rs2151630268, ClinGen allele CA2573151980.
Genomic context (GRCh38, chr16:2,088,273, plus strand): 5'-GCCTACGTCCCCAGATGGCCTCACAGGTGCATCATAGCCGCTCCAACCCCACCGATATCT[A>AC]CCCCTCCAAGTGGATTGCCCGGCTCCGCCACATCAAGCGGCTCCGCCAGCGGGTAGGGAA-3'

ClinVar aggregate classification (germline): Pathogenic (1 of 4 stars; one submission).

Conditions:
Tuberous sclerosis 2 (TSC2). Identifiers: Orphanet 805, MedGen C1860707, MONDO:0013199, OMIM 613254.

Submission:

Labcorp Genetics (formerly Invitae), Labcorp
Classification: Pathogenic for Tuberous sclerosis 2. Last evaluated: 2021-01-13. Review status: criteria provided, single submitter. Criteria: Invitae Variant Classification Sherloc (09022015). Collection method: clinical testing. Allele origin: germline.
Comment: This variant has not been reported in the literature in individuals with TSC2-related conditions. For these reasons, this variant has been classified as Pathogenic. This variant disrupts the C-terminus of the TSC2 protein. Other variant(s) that disrupt this region (p.Arg1745Glnfs*27) have been determined to be pathogenic (Invitae). This suggests that variants that disrupt this region of the protein are likely to be causative of disease. This variant is not present in population databases (ExAC no frequency). This sequence change creates a premature translational stop signal (p.Ser1738Leufs*37) in the TSC2 gene. While this is not anticipated to result in nonsense mediated decay, it is expected to disrupt the last 70 amino acid(s) of the TSC2 protein.